The following is an entry in ClinVar:

ClinVar aggregate classification (germline): Uncertain significance (1 of 4 stars; one submission).

Conditions:
Rhabdoid tumor predisposition syndrome 2 (RTPS2). Identifiers: Orphanet 231108, Orphanet 69077, MedGen C2750074, MONDO:0013224, OMIM 613325.

Submission:

Labcorp Genetics (formerly Invitae), Labcorp
Classification: Uncertain significance for Rhabdoid tumor predisposition syndrome 2. Last evaluated: 2025-10-26. Review status: criteria provided, single submitter. Criteria: Invitae Variant Classification Sherloc (09022015). Collection method: clinical testing. Allele origin: germline.
Comment: This sequence change replaces aspartic acid, which is acidic and polar, with glutamic acid, which is acidic and polar, at codon 1320 of the SMARCA4 protein (p.Asp1320Glu). This variant is not present in population databases (gnomAD no frequency). This variant has not been reported in the literature in individuals affected with SMARCA4-related conditions. ClinVar contains an entry for this variant (Variation ID: 2770902). Invitae Evidence Modeling of protein sequence and biophysical properties (such as structural, functional, and spatial information, amino acid conservation, physicochemical variation, residue mobility, and thermodynamic stability) indicates that this missense variant is expected to disrupt SMARCA4 protein function with a positive predictive value of 95%. In summary, the available evidence is currently insufficient to determine the role of this variant in disease. Therefore, it has been classified as a Variant of Uncertain Significance.

NM_003072.5(SMARCA4):c.3960C>A (p.Asp1320Glu)

Gene: SMARCA4 (SWI/SNF related BAF chromatin remodeling complex subunit ATPase 4; plus strand). Cytogenetic location: 19p13.2.
Variant type: single nucleotide variant.
Coding change: c.3960C>A on transcript NM_003072.5 (MANE Select); coding-DNA position 3960, C replaced by A.
Protein change: p.Asp1320Glu; replaces aspartic acid 1320 with glutamic acid.
Molecular consequence: missense variant. On other transcripts: non-coding transcript variant (1).
Genome position (GRCh38, 1-based): chr19:11,034,922, C>A. VCF-style: chr19-11034922-C-A. GRCh37 (hg19) VCF-style: chr19-11145598-C-A.
Other names: c.3960C>A, p.Asp1320Glu (NM_001128844.3, NM_001128849.3, NM_001387283.1); c.3861C>A, p.Asp1287Glu (NM_001128845.2, NM_001128846.2, NM_001128847.4 and 3 more transcripts); short protein forms D1287E, D1320E.
Identifiers: ClinVar variation 2770902 (VCV002770902.3), dbSNP rs2146696019, ClinGen allele CA404068000.